The following is an entry in ClinVar:

NM_004984.4(KIF5A):c.2272G>A (p.Glu758Lys)

Gene: KIF5A (kinesin family member 5A; plus strand). Cytogenetic location: 12q13.3.
Variant type: single nucleotide variant.
Coding change: c.2272G>A on transcript NM_004984.4 (MANE Select); coding-DNA position 2272, G replaced by A.
Protein change: p.Glu758Lys; replaces glutamic acid 758 with lysine.
Molecular consequence: missense variant.
Genome position (GRCh38, 1-based): chr12:57,576,834, G>A. VCF-style: chr12-57576834-G-A. GRCh37 (hg19) VCF-style: chr12-57970617-G-A.
Other names: p.Glu758Lys; c.2005G>A, p.Glu669Lys (NM_001354705.2); short protein forms E758K, E669K.
Identifiers: ClinVar variation 79154 (VCV000079154.57), dbSNP rs140281678, ClinGen allele CA6653063.
Genomic context (GRCh38, chr12:57,576,834, plus strand): 5'-CTCCAGTTAGAGCTAGAGAAGCTTCAGGCTGACTACGAGAAGCTGAAGAGCGAAGAACAC[G>A]AGAAGAGCACCAAGCTGCAGGAGCTGACGTGAGTGGCATGGATTTACCTGTAAAACTACA-3'
Protein context (NP_004975.2, residues 748-768): DYEKLKSEEH[Glu758Lys]KSTKLQELTF

ClinVar aggregate classification (germline): Conflicting classifications of pathogenicity. Review status: criteria provided, conflicting classifications (1 of 4 stars). 13 submissions from 13 submitters: Uncertain significance (1); Benign (3); Likely benign (6). 3 of the submissions do not count toward it. Last evaluated 2026-09-01.

Conditions:
KIF5A-related disorder. Also called: KIF5A-related disorders; KIF5A-related condition.
Spastic paraplegia. Identifiers: MedGen C0037772, HP:0001258.
Hereditary spastic paraplegia. Also called: Familial spastic paraparesis. Identifiers: Orphanet 685, MedGen C0037773, MONDO:0019064. Disease mechanism: loss of function.
Hereditary spastic paraplegia 10 (SPG10). Also called: SPASTIC PARAPLEGIA 10, AUTOSOMAL DOMINANT; SPASTIC PARAPLEGIA 10 WITH OR WITHOUT PERIPHERAL NEUROPATHY; SPASTIC PARAPLEGIA 10 WITH PERIPHERAL NEUROPATHY. Identifiers: Orphanet 100991, MedGen C1858712, MONDO:0011408, OMIM 604187.

Allele frequency attached by ClinVar (database versions not stated): ExAC 0.00055; gnomAD exomes 0.00066 and 0.00150; gnomAD 0.00074 and 0.00076; ESP Exome Variant Server 0.00085; TOPMed 0.00088.
gnomAD v4.1: 2,325 of 1,613,698 alleles (0.14%); highest among the groups gnomAD compares: Non-Finnish European, 0.18%; 3 homozygotes.

Submissions (13):

CeGaT Center for Human Genetics Tuebingen
Classification: Likely benign. Last evaluated: 2026-09-01. Review status: criteria provided, single submitter. Criteria: CeGaT Center For Human Genetics Tuebingen Variant Classification Criteria Version 2. Collection method: clinical testing. Allele origin: germline. Affected: yes. Observed: 20 variant alleles.
Comment: KIF5A: BS1

Labcorp Genetics (formerly Invitae), Labcorp
Classification: Likely benign for Spastic paraplegia. Last evaluated: 2026-02-02. Review status: criteria provided, single submitter. Criteria: Invitae Variant Classification Sherloc (09022015). Collection method: clinical testing. Allele origin: germline.

Women's Health and Genetics/Laboratory Corporation of America, LabCorp
Classification: Likely benign. Last evaluated: 2026-01-27. Review status: criteria provided, single submitter. Criteria: LabCorp Variant Classification Summary - May 2015. Collection method: clinical testing. Allele origin: germline.
Comment: Variant summary: KIF5A c.2272G>A (p.Glu758Lys) results in a conservative amino acid change in the encoded protein sequence. Algorithms developed to predict the effect of missense changes on protein structure and function are either unavailable or do not agree on the potential impact of this missense change. The variant allele was found at a frequency of 0.00066 in 251406 control chromosomes, predominantly at a frequency of 0.0012 within the Non-Finnish European subpopulation in the gnomAD database. The observed variant frequency within Non-Finnish European control individuals in the gnomAD database exceeds the estimated maximal expected allele frequency for disease-causing variants in KIF5A. To our knowledge, no experimental evidence demonstrating its impact on protein function has been reported. ClinVar contains an entry for this variant (Variation ID: 79154). Based on the evidence outlined above, the variant was classified as likely benign.

Blueprint Genetics
Classification: Likely benign. Last evaluated: 2024-10-31. Review status: criteria provided, single submitter. Criteria: ACMG Guidelines, 2015. Collection method: clinical testing. Allele origin: germline.

ARUP Laboratories, Molecular Genetics and Genomics, ARUP Laboratories
Classification: Likely benign. Last evaluated: 2024-07-25. Review status: criteria provided, single submitter. Criteria: ARUP Molecular Germline Variant Investigation Process 2024. Collection method: clinical testing. Allele origin: germline.

Mayo Clinic Laboratories, Mayo Clinic
Classification: Benign. Last evaluated: 2021-10-27. Review status: criteria provided, single submitter. Criteria: ACMG Guidelines, 2015. Collection method: clinical testing. Allele origin: germline. Observed: 10 variant alleles.
Comment: BS1, BS2

Athena Diagnostics
Classification: Benign. Last evaluated: 2020-03-27. Review status: criteria provided, single submitter. Criteria: Athena Diagnostics Criteria. Collection method: clinical testing. Allele origin: unknown.

GeneDx
Classification: Benign. Last evaluated: 2020-03-24. Review status: criteria provided, single submitter. Criteria: GeneDx Variant Classification Process June 2021. Collection method: clinical testing. Allele origin: germline. Affected: yes.
Comment: This variant is associated with the following publications: (PMID: 28708278, 31475037)

Illumina Laboratory Services, Illumina
Classification: Likely benign for Hereditary spastic paraplegia 10. Last evaluated: 2018-01-12. Review status: criteria provided, single submitter. Criteria: ICSL Variant Classification Criteria 13 December 2019. Collection method: clinical testing. Allele origin: germline.
Comment: This variant was observed in the ICSL laboratory as part of a predisposition screen in an ostensibly healthy population. It had not been previously curated by ICSL or reported in the Human Gene Mutation Database (HGMD: prior to June 1st, 2018), and was therefore a candidate for classification through an automated scoring system. Utilizing variant allele frequency, disease prevalence and penetrance estimates, and inheritance mode, an automated score was calculated to assess if this variant is too frequent to cause the disease. Based on the score and internal cut-off values, a variant classified as likely benign is not then subjected to further curation. The score for this variant resulted in a classification of likely benign for this disease.

Genome Diagnostics Laboratory, The Hospital for Sick Children
Classification: Uncertain significance for Hereditary spastic paraplegia. Last evaluated: 2017-04-12. Review status: criteria provided, single submitter. Criteria: ACMG Guidelines, 2015. Collection method: clinical testing. Allele origin: germline. Affected: yes.

PreventionGenetics, part of Exact Sciences
Classification: Likely benign for KIF5A-related condition. Last evaluated: 2022-04-07. Review status: no assertion criteria provided. Collection method: clinical testing. Allele origin: germline. Not counted in ClinVar's aggregate classification.
Comment: This variant is classified as likely benign based on ACMG/AMP sequence variant interpretation guidelines (Richards et al. 2015 PMID: 25741868, with internal and published modifications).

Clinical Genetics DNA and cytogenetics Diagnostics Lab, Erasmus MC, Erasmus Medical Center
Classification: Likely benign. Review status: no assertion criteria provided. Collection method: clinical testing. Allele origin: germline. Affected: yes. Study: VKGL Data-share Consensus. Not counted in ClinVar's aggregate classification.

Clinical Genetics, Academic Medical Center
Classification: Likely benign. Review status: no assertion criteria provided. Collection method: clinical testing. Allele origin: germline. Affected: yes. Study: VKGL Data-share Consensus. Not counted in ClinVar's aggregate classification.

Literature cited by the submitters: PubMed 28708278 (cited by Athena Diagnostics); PubMed 31475037 (cited by Athena Diagnostics).